The following is an entry in ClinVar:

ClinVar aggregate classification (germline): Likely benign. Review status: criteria provided, multiple submitters, no conflicts (2 of 4 stars). 3 submissions from 3 submitters: Likely benign (2). 1 of the submissions does not count toward it. Last evaluated 2024-07-02.

Conditions:
IGF1R-related disorder. Also called: IGF1R-related condition.

Allele frequency attached by ClinVar (database versions not stated): ExAC 0.00001; gnomAD 0.00001; gnomAD exomes 0.00001; TOPMed 0.00003; ESP Exome Variant Server 0.00008.
gnomAD v4.1: 15 of 1,614,108 alleles (0.00093%); highest among the groups gnomAD compares: South Asian, 0.0011%; no homozygotes.

Submissions (3):

Blueprint Genetics
Classification: Likely benign. Last evaluated: 2024-07-02. Review status: criteria provided, single submitter. Criteria: ACMG Guidelines, 2015. Collection method: clinical testing. Allele origin: germline.

Labcorp Genetics (formerly Invitae), Labcorp
Classification: Likely benign. Last evaluated: 2023-12-12. Review status: criteria provided, single submitter. Criteria: Invitae Variant Classification Sherloc (09022015). Collection method: clinical testing. Allele origin: germline.

PreventionGenetics, part of Exact Sciences
Classification: Likely benign for IGF1R-related condition. Last evaluated: 2023-10-09. Review status: no assertion criteria provided. Collection method: clinical testing. Allele origin: germline. Not counted in ClinVar's aggregate classification.
Comment: This variant is classified as likely benign based on ACMG/AMP sequence variant interpretation guidelines (Richards et al. 2015 PMID: 25741868, with internal and published modifications).

NM_000875.5(IGF1R):c.3846C>T (p.Ser1282=)

Gene: IGF1R (insulin like growth factor 1 receptor; plus strand). Cytogenetic location: 15q26.3.
Variant type: single nucleotide variant.
Coding change: c.3846C>T on transcript NM_000875.5 (MANE Select); coding-DNA position 3846, C replaced by T.
Protein change: p.Ser1282=; no amino-acid change (serine 1282 retained).
Molecular consequence: synonymous variant.
Genome position (GRCh38, 1-based): chr15:98,957,184, C>T. VCF-style: chr15-98957184-C-T. GRCh37 (hg19) VCF-style: chr15-99500413-C-T.
Other names: c.3846C>T (NM_000875.4); c.3843C>T, p.Ser1281= (NM_001291858.2).
Identifiers: ClinVar variation 1913381 (VCV001913381.8), dbSNP rs369901130, ClinGen allele CA7752804.